The following is an entry in ClinVar:

NM_000492.4(CFTR):c.1849_1851del (p.Leu617del)

Gene: CFTR (CF transmembrane conductance regulator; plus strand). Cytogenetic location: 7q31.2.
Variant type: Deletion.
Coding change: c.1849_1851del on transcript NM_000492.4 (MANE Select); coding-DNA positions 1849 to 1851, 3 bases deleted (TTA; older notation c.1849_1851delTTA).
Protein change: p.Leu617del; deletes leucine 617.
Molecular consequence: inframe deletion.
Genome position (GRCh38, 1-based): chr7:117,592,016-117,592,018, TTA deleted; deleting any 3 consecutive bases within chr7:117,592,014-117,592,018 gives the same sequence; the c. name uses the placement nearest the transcript's 3' end. VCF-style (leftmost placement, unchanged base first): chr7-117592013-ATAT-A. GRCh37 (hg19) VCF-style: chr7-117232067-ATAT-A.
Other names: short protein forms L617del.
Identifiers: ClinVar variation 1706000 (VCV001706000.1), dbSNP rs2485109187, ClinGen allele CA2580076501.

ClinVar aggregate classification (germline): Uncertain significance (1 of 4 stars; one submission).

Conditions:
Cystic fibrosis (CF). Also called: MUCOVISCIDOSIS. Identifiers: Orphanet 586, MedGen C0010674, MONDO:0009061, OMIM 219700. Disease mechanism: loss of function.

Submission:

Institute of Human Genetics, University of Leipzig Medical Center
Classification: Uncertain significance for Cystic fibrosis. Last evaluated: 2022-09-05. Review status: criteria provided, single submitter. Criteria: ACMG Guidelines, 2015. Collection method: curation. Allele origin: unknown. Affected: yes. Observed: 1 variant allele.
Comment: The variant was classified in the context of a project re-classifying variants in the German Cystic Fibrosis Registry (Muko.e.V.). Criteria applied: PM2_SUP, PM4_SUP